The following is an entry in ClinVar:

ClinVar aggregate classification (germline): Likely benign. Review status: criteria provided, multiple submitters, no conflicts (2 of 4 stars). 4 submissions from 4 submitters: Likely benign (4). Last evaluated 2026-04-01.

Conditions:
DMXL2-related disorder. Also called: DMXL2-related condition.

Allele frequency attached by ClinVar (database versions not stated): gnomAD 0.00002; TOPMed 0.00002.
gnomAD v4.1: 87 of 1,613,570 alleles (0.0054%); highest among the groups gnomAD compares: Non-Finnish European, 0.0067%; no homozygotes.

Submissions (4):

CeGaT Center for Human Genetics Tuebingen
Classification: Likely benign. Last evaluated: 2026-04-01. Review status: criteria provided, single submitter. Criteria: CeGaT Center For Human Genetics Tuebingen Variant Classification Criteria Version 2. Collection method: clinical testing. Allele origin: germline. Affected: yes. Observed: 1 variant allele.
Comment: DMXL2: BP4, BP7

PreventionGenetics, part of Exact Sciences
Classification: Likely benign for DMXL2-related condition. Last evaluated: 2026-02-10. Review status: criteria provided, single submitter. Criteria: ACMG Guidelines, 2015. Collection method: clinical testing. Allele origin: germline.
Comment: This variant is classified as likely benign based on ACMG/AMP sequence variant interpretation guidelines (Richards et al. 2015 PMID: 25741868, with internal and published modifications).

ARUP Laboratories, Molecular Genetics and Genomics, ARUP Laboratories
Classification: Likely benign. Last evaluated: 2025-04-25. Review status: criteria provided, single submitter. Criteria: ARUP Molecular Germline Variant Investigation Process 2024. Collection method: clinical testing. Allele origin: germline.

Labcorp Genetics (formerly Invitae), Labcorp
Classification: Likely benign. Last evaluated: 2024-11-08. Review status: criteria provided, single submitter. Criteria: Invitae Variant Classification Sherloc (09022015). Collection method: clinical testing. Allele origin: germline.

NM_001378457.1(DMXL2):c.1539C>T (p.His513=)

Gene: DMXL2 (Dmx like 2; minus strand). Cytogenetic location: 15q21.2.
Variant type: single nucleotide variant.
Coding change: c.1539C>T on transcript NM_001378457.1 (MANE Select); coding-DNA position 1539, C replaced by T.
Protein change: p.His513=; no amino-acid change (histidine 513 retained).
Molecular consequence: synonymous variant. On other transcripts: non-coding transcript variant (2).
Genome position (GRCh38, 1-based): chr15:51,537,566, G>A on the plus strand (C>T on the coding strand, the complement: DMXL2 is on the minus strand). VCF-style: chr15-51537566-G-A. GRCh37 (hg19) VCF-style: chr15-51829763-G-A.
Other names: c.1539C>T (NM_001174116.1); c.1539C>T, p.His513= (NM_001174116.3, NM_001174117.3, NM_001378458.1 and 6 more transcripts); c.1299C>T, p.His433= (NM_001378464.1).
Identifiers: ClinVar variation 2186331 (VCV002186331.8), dbSNP rs767938506, ClinGen allele CA490376879.
Genomic context (GRCh38, chr15:51,537,566, plus strand): 5'-TCCAGGATTATATTCATCCAAATACTTCACATGCCACACTAGAAAGGTACCATCTACAGG[G>A]TGTATTGTAAAAAGCATATCAGGATTCTTATTCCATTCAGTTAGCAGCGTTTCAATCTTC-3'
Protein context (NP_001365386.1, residues 503-523): NKNPDMLFTI[His513=]PVDGTFLVWH